The following is an entry in ClinVar:

ClinVar aggregate classification (germline): Uncertain significance (1 of 4 stars; one submission).

Allele frequency attached by ClinVar (database versions not stated): TOPMed 0.00003; ESP Exome Variant Server 0.00008; gnomAD 0.00014; ExAC 0.00030; 1000 Genomes Project 30x 0.00031; 1000 Genomes Project 0.00040.
gnomAD v4.1: 209 of 1,609,020 alleles (0.013%); highest among the groups gnomAD compares: Non-Finnish European, 0.0053%; 1 homozygote.

Submission:

Ambry Genetics
Classification: Uncertain significance. Last evaluated: 2022-12-05. Review status: criteria provided, single submitter. Criteria: Ambry Variant Classification Scheme 2023. Collection method: clinical testing. Allele origin: germline.
Comment: The p.M2562V variant (also known as c.7684A>G), located in coding exon 30 of the POLQ gene, results from an A to G substitution at nucleotide position 7684. The methionine at codon 2562 is replaced by valine, an amino acid with highly similar properties. This amino acid position is conserved. In addition, this alteration is predicted to be deleterious by in silico analysis. Since supporting evidence is limited at this time, the clinical significance of this alteration remains unclear.

NM_199420.4(POLQ):c.7684A>G (p.Met2562Val)

Gene: POLQ (DNA polymerase theta; minus strand). Cytogenetic location: 3q13.33.
Variant type: single nucleotide variant.
Coding change: c.7684A>G on transcript NM_199420.4 (MANE Select); coding-DNA position 7684, A replaced by G.
Protein change: p.Met2562Val; replaces methionine 2562 with valine.
Molecular consequence: missense variant.
Genome position (GRCh38, 1-based): chr3:121,432,393, T>C on the plus strand (A>G on the coding strand, the complement: POLQ is on the minus strand). VCF-style: chr3-121432393-T-C. GRCh37 (hg19) VCF-style: chr3-121151240-T-C.
Other names: short protein forms M2562V.
Identifiers: ClinVar variation 2448892 (VCV002448892.2), dbSNP rs142930622, ClinGen allele CA2562087.